The following is an entry in ClinVar:

NM_001447.3(FAT2):c.11909A>G (p.Tyr3970Cys)

Genes: FAT2 (FAT atypical cadherin 2; minus strand), SLC36A1 (solute carrier family 36 member 1; plus strand). Cytogenetic location: 5q33.1.
Variant type: single nucleotide variant.
Coding change: c.11909A>G on transcript NM_001447.3 (MANE Select); coding-DNA position 11909, A replaced by G.
Protein change: p.Tyr3970Cys; replaces tyrosine 3970 with cysteine.
Molecular consequence: missense variant.
Genome position (GRCh38, 1-based): chr5:151,510,171, T>C on the plus strand (A>G on the coding strand, the complement: FAT2 is on the minus strand). VCF-style: chr5-151510171-T-C. GRCh37 (hg19) VCF-style: chr5-150889732-T-C.
Other names: short protein forms Y3970C.
Identifiers: ClinVar variation 2780551 (VCV002780551.3), dbSNP rs1206094709, ClinGen allele CA361821022.

ClinVar aggregate classification (germline): Uncertain significance (1 of 4 stars; one submission).

Allele frequency attached by ClinVar (database versions not stated): gnomAD exomes below 0.00001; gnomAD 0.00001.
gnomAD v4.1: 4 of 1,613,858 alleles (0.00025%); highest among the groups gnomAD compares: Non-Finnish European, 0.00034%; no homozygotes.

Submission:

Labcorp Genetics (formerly Invitae), Labcorp
Classification: Uncertain significance. Last evaluated: 2024-10-22. Review status: criteria provided, single submitter. Criteria: Invitae Variant Classification Sherloc (09022015). Collection method: clinical testing. Allele origin: germline.
Comment: This sequence change replaces tyrosine, which is neutral and polar, with cysteine, which is neutral and slightly polar, at codon 3970 of the FAT2 protein (p.Tyr3970Cys). This variant is present in population databases (no rsID available, gnomAD 0.002%). This variant has not been reported in the literature in individuals affected with FAT2-related conditions. An algorithm developed to predict the effect of missense changes on protein structure and function (PolyPhen-2) suggests that this variant is likely to be tolerated. In summary, the available evidence is currently insufficient to determine the role of this variant in disease. Therefore, it has been classified as a Variant of Uncertain Significance.